The following is an entry in ClinVar:

NM_006267.5(RANBP2):c.8923A>G (p.Arg2975Gly)

Gene: RANBP2 (RAN binding protein 2; plus strand). Cytogenetic location: 2q13.
Variant type: single nucleotide variant.
Coding change: c.8923A>G on transcript NM_006267.5 (MANE Select); coding-DNA position 8923, A replaced by G.
Protein change: p.Arg2975Gly; replaces arginine 2975 with glycine.
Molecular consequence: missense variant.
Genome position (GRCh38, 1-based): chr2:108,782,290, A>G. VCF-style: chr2-108782290-A-G. GRCh37 (hg19) VCF-style: chr2-109398746-A-G.
Other names: c.9001A>G, p.Arg3001Gly (NM_001415871.1); c.8920A>G, p.Arg2974Gly (NM_001415872.1); c.8947A>G, p.Arg2983Gly (NM_001415873.1); short protein forms R2974G, R2975G, R2983G, R3001G.
Identifiers: ClinVar variation 2497979 (VCV002497979.2), dbSNP rs2467758634, ClinGen allele CA348084761.
Genomic context (GRCh38, chr2:108,782,290, plus strand): 5'-GTTGGAGATATAAAGATTCTTTGGCATACAATGAAGAATTATTACCGGATCCTAATGAGA[A>G]GAGACCAGGTTTTTAAAGTGTGTGCAAACCACGTTATTACTAAAACAATGGAATTAAAGC-3'
Protein context (NP_006258.3, residues 2965-2985): MKNYYRILMR[Arg2975Gly]DQVFKVCANH

ClinVar aggregate classification (germline): Uncertain significance (1 of 4 stars; one submission).

Submission:

GeneDx
Classification: Uncertain significance. Last evaluated: 2024-09-30. Review status: criteria provided, single submitter. Criteria: GeneDx Variant Classification Process June 2021. Collection method: clinical testing. Allele origin: germline.
Comment: Not observed at significant frequency in large population cohorts (gnomAD); In silico analysis supports that this missense variant has a deleterious effect on protein structure/function; Has not been previously published as pathogenic or benign to our knowledge